The following is an entry in ClinVar:

NM_001368894.2(PAX6):c.512del (p.Gly171fs)

Gene: PAX6 (paired box 6; minus strand). Cytogenetic location: 11p13.
Variant type: Deletion.
Coding change: c.512del on transcript NM_001368894.2 (MANE Select); coding-DNA position 512, one base deleted (G; older notation c.512delG).
Protein change: p.Gly171fs; shifts the reading frame from glycine 171.
Molecular consequence: frameshift variant. On other transcripts: non-coding transcript variant (2).
Genome position (GRCh38, 1-based): chr11:31,800,744, C deleted on the plus strand (G on the coding strand, the reverse complement: PAX6 is on the minus strand); the first of 4 consecutive C bases (chr11:31,800,744-31,800,747); deleting any one gives the same sequence. VCF-style (leftmost placement, unchanged base first): chr11-31800743-GC-G. GRCh37 (hg19) VCF-style: chr11-31822291-GC-G.
Other names: c.470delG (NM_000280.4); c.512del, p.Gly171fs (NM_001258463.2, NM_001310158.2, NM_001368892.2 and 6 more transcripts); c.470del, p.Gly157fs (NM_001258464.2, NM_001258465.3, NM_001310159.1 and 10 more transcripts); c.62del, p.Gly21fs (NM_001310160.2, NM_001310161.3, NM_001368899.2 and 11 more transcripts); c.713del, p.Gly238fs (NM_001368910.2); c.515del, p.Gly172fs (NM_001368911.2); c.587del, p.Gly196fs (NM_001368918.2, NM_001368919.2); c.545del, p.Gly182fs (NM_001368920.2); and 2 more; short protein forms G238fs, G196fs, G104fs, G182fs, G157fs, G171fs, G172fs, G21fs.
Identifiers: ClinVar variation 460462 (VCV000460462.10), dbSNP rs1554985024, ClinGen allele CA658658045.
Genomic context (GRCh38, chr11:31,800,743, plus strand): 5'-GGTTTTACCTTGCGTAGGTTGCCCTGGCACCGAAGTCCCCGGATACCAACCAGGGCGGGT[GC>G]CCCAGCTTCCGGTCTGCCCGTTCAACATCCTTAGTTTATCATACATGCCGTCTGCGCCCA-3'

ClinVar aggregate classification (germline): Pathogenic. Review status: criteria provided, multiple submitters, no conflicts (2 of 4 stars). 2 submissions from 2 submitters: Pathogenic (2). Last evaluated 2025-08-01.

Conditions:
Aniridia 1 (AN1). Identifiers: Orphanet 250923, MedGen C0344542, MONDO:0024507, OMIM 106210.
Irido-corneo-trabecular dysgenesis (ASGD5). Also called: ANTERIOR SEGMENT DYSGENESIS 5. Identifiers: Orphanet 708, MedGen C0344559, MONDO:0011414, OMIM 604229, HP:0000659.
PAX6-related disorder. Also called: PAX6-related disorders; PAX6-related condition.

Submissions (2):

3billion
Classification: Pathogenic for PAX6-related disorder. Last evaluated: 2025-08-01. Review status: criteria provided, single submitter. Criteria: ACMG Guidelines, 2015. Collection method: clinical testing. Allele origin: germline. Affected: yes.
Comment: The variant is not observed in the gnomAD v4.1.0 dataset. Predicted Consequence/Location: Frameshift: predicted to result in a loss or disruption of normal protein function through nonsense-mediated decay (NMD) or protein truncation. Multiple pathogenic variants are reported downstream of the variant. The variant has been reported to be associated with PAX6-related disorder (ClinVar ID: VCV000460462 /PMID: 9792406). Therefore, this variant is classified as Pathogenic according to the recommendation of ACMG/AMP guideline.

Labcorp Genetics (formerly Invitae), Labcorp
Classification: Pathogenic for Aniridia 1; Irido-corneo-trabecular dysgenesis. Last evaluated: 2025-02-16. Review status: criteria provided, single submitter. Criteria: Invitae Variant Classification Sherloc (09022015). Collection method: clinical testing. Allele origin: germline.
Comment: This sequence change creates a premature translational stop signal (p.Gly157Alafs*50) in the PAX6 gene. It is expected to result in an absent or disrupted protein product. Loss-of-function variants in PAX6 are known to be pathogenic (PMID: 12634864). This variant is not present in population databases (gnomAD no frequency). This premature translational stop signal has been observed in individuals with aniridia (PMID: 9792406). This variant is also known as 829delG. ClinVar contains an entry for this variant (Variation ID: 460462). For these reasons, this variant has been classified as Pathogenic.

Literature cited by the submitters: PubMed 9792406 (cited by 3billion and Labcorp Genetics (formerly Invitae), Labcorp); PubMed 12634864 (cited by Labcorp Genetics (formerly Invitae), Labcorp).